The following is an entry in ClinVar:

NM_000540.3(RYR1):c.14587T>C (p.Phe4863Leu)

Gene: RYR1 (ryanodine receptor 1; plus strand). Cytogenetic location: 19q13.2.
Variant type: single nucleotide variant.
Coding change: c.14587T>C on transcript NM_000540.3 (MANE Select); coding-DNA position 14587, T replaced by C.
Protein change: p.Phe4863Leu; replaces phenylalanine 4863 with leucine.
Molecular consequence: missense variant.
Genome position (GRCh38, 1-based): chr19:38,580,445, T>C. VCF-style: chr19-38580445-T-C. GRCh37 (hg19) VCF-style: chr19-39071085-T-C.
Other names: c.14572T>C, p.Phe4858Leu (NM_001042723.2); short protein forms F4858L, F4863L.
Identifiers: ClinVar variation 1717712 (VCV001717712.6), dbSNP rs2145896745, ClinGen allele CA405687830.
Genomic context (GRCh38, chr19:38,580,445, plus strand): 5'-GGCCTTCTGGCGGTGGTCGTCTACCTGTACACCGTGGTGGCCTTCAACTTCTTCCGCAAG[T>C]TCTACAACAAGAGCGAGGATGAGGATGAACCTGACATGAAGTGTGATGACATGATGACGG-3'
Protein context (NP_000531.2, residues 4853-4873): TVVAFNFFRK[Phe4863Leu]YNKSEDEDEP

ClinVar aggregate classification (germline): Uncertain significance. Review status: criteria provided, multiple submitters, no conflicts (2 of 4 stars). 2 submissions from 2 submitters: Uncertain significance (2). Last evaluated 2023-06-02.

Conditions:
Congenital multicore myopathy with external ophthalmoplegia (CMYO1B). Also called: Congenital myopathy 1B, autosomal recessive; Minicore myopathy; MULTICORE MYOPATHY; Minicore myopathy with external ophthalmoplegia; MULTIMINICORE DISEASE WITH EXTERNAL OPHTHALMOPLEGIA. Identifiers: Orphanet 598, Orphanet 98905, MedGen C1850674, MONDO:0009712, OMIM 255320, HP:0003789.
RYR1-related disorder. Also called: RYR1-related condition; RYR1-related disorders. Identifiers: MedGen CN239331.

Submissions (2):

3billion
Classification: Uncertain significance for Congenital multicore myopathy with external ophthalmoplegia. Last evaluated: 2023-06-02. Review status: criteria provided, single submitter. Criteria: ACMG Guidelines, 2015. Collection method: clinical testing. Allele origin: germline. Affected: yes.
Comment: The variant is not observed in the gnomAD v2.1.1 dataset. Predicted Consequence/Location: Missense variant In silico tool predictions suggest damaging effect of the variant on gene or gene product (REVEL: 0.92; 3Cnet: 0.95). Therefore, this variant is classified as VUS according to the recommendation of ACMG/AMP guideline.

Labcorp Genetics (formerly Invitae), Labcorp
Classification: Uncertain significance for RYR1-related disorder. Last evaluated: 2022-08-22. Review status: criteria provided, single submitter. Criteria: Invitae Variant Classification Sherloc (09022015). Collection method: clinical testing. Allele origin: germline.
Comment: In summary, the available evidence is currently insufficient to determine the role of this variant in disease. Therefore, it has been classified as a Variant of Uncertain Significance. Advanced modeling of protein sequence and biophysical properties (such as structural, functional, and spatial information, amino acid conservation, physicochemical variation, residue mobility, and thermodynamic stability) performed at Invitae indicates that this missense variant is expected to disrupt RYR1 protein function. This variant has not been reported in the literature in individuals affected with RYR1-related conditions. This variant is not present in population databases (gnomAD no frequency). This sequence change replaces phenylalanine, which is neutral and non-polar, with leucine, which is neutral and non-polar, at codon 4863 of the RYR1 protein (p.Phe4863Leu).